The following is an entry in ClinVar:

NM_053025.4(MYLK):c.3886A>G (p.Thr1296Ala)

Gene: MYLK (myosin light chain kinase; minus strand). Cytogenetic location: 3q21.1.
Variant type: single nucleotide variant.
Coding change: c.3886A>G on transcript NM_053025.4 (MANE Select); coding-DNA position 3886, A replaced by G.
Protein change: p.Thr1296Ala; replaces threonine 1296 with alanine.
Molecular consequence: missense variant.
Genome position (GRCh38, 1-based): chr3:123,664,204, T>C on the plus strand (A>G on the coding strand, the complement: MYLK is on the minus strand). VCF-style: chr3-123664204-T-C. GRCh37 (hg19) VCF-style: chr3-123383051-T-C.
Other names: c.3358A>G, p.Thr1120Ala (NM_001321309.2); c.3679A>G, p.Thr1227Ala (NM_053026.4, NM_053028.4); c.3886A>G, p.Thr1296Ala (NM_053027.4); short protein forms T1120A, T1227A, T1296A.
Identifiers: ClinVar variation 3915770 (VCV003915770.1).

ClinVar aggregate classification (germline): Uncertain significance (1 of 4 stars; one submission).

Conditions:
Familial thoracic aortic aneurysm and aortic dissection (TAAD). Also called: Thoracic aortic aneurysms and dissections. Identifiers: Orphanet 91387, MedGen C4707243, MONDO:0019625.

Submission:

Ambry Genetics
Classification: Uncertain significance for Familial thoracic aortic aneurysm and aortic dissection. Last evaluated: 2025-05-05. Review status: criteria provided, single submitter. Criteria: Ambry Variant Classification Scheme 2023. Collection method: clinical testing. Allele origin: germline.
Comment: The p.T1296A variant (also known as c.3886A>G), located in coding exon 20 of the MYLK gene, results from an A to G substitution at nucleotide position 3886. The threonine at codon 1296 is replaced by alanine, an amino acid with similar properties. This amino acid position is conserved. In addition, the in silico prediction for this alteration is inconclusive. Based on the available evidence, the clinical significance of this variant remains unclear.